The following is an entry in ClinVar:

ClinVar aggregate classification (germline): Uncertain significance. Review status: criteria provided, multiple submitters, no conflicts (2 of 4 stars). 3 submissions from 3 submitters: Uncertain significance (3). Last evaluated 2026-10-08.

Conditions:
LAMA2-related muscular dystrophy (LAMA2-RD). Also called: Laminin alpha 2-related dystrophy. Identifiers: MedGen C5679788, MONDO:0100228.

Allele frequency attached by ClinVar (database versions not stated): ExAC 0.00002; gnomAD 0.00002 and 0.00003; ESP Exome Variant Server 0.00008; gnomAD exomes 0.00001; TOPMed 0.00002.
gnomAD v4.1: 18 of 1,612,472 alleles (0.0011%); highest among the groups gnomAD compares: Middle Eastern, 0.016%; no homozygotes.

Submissions (3):

GeneDx
Classification: Uncertain significance. Last evaluated: 2026-10-08. Review status: criteria provided, single submitter. Criteria: GeneDx Variant Classification Process June 2021. Collection method: clinical testing. Allele origin: germline.
Comment: Reported with a second LAMA2 variant, phase unknown, in a patient with a congenital muscular dystrophy phenotype (PMID: 30055037); Not observed at significant frequency in large population cohorts (gnomAD); In silico analysis supports that this missense variant has a deleterious effect on protein structure/function; This variant is associated with the following publications: (PMID: 30055037)

Labcorp Genetics (formerly Invitae), Labcorp
Classification: Uncertain significance for LAMA2-related muscular dystrophy. Last evaluated: 2022-04-29. Review status: criteria provided, single submitter. Criteria: Invitae Variant Classification Sherloc (09022015). Collection method: clinical testing. Allele origin: germline.
Comment: This sequence change replaces arginine, which is basic and polar, with cysteine, which is neutral and slightly polar, at codon 249 of the LAMA2 protein (p.Arg249Cys). This variant is present in population databases (rs376437110, gnomAD 0.003%). This missense change has been observed in individual(s) with congenital muscular dystrophy (PMID: 30055037). ClinVar contains an entry for this variant (Variation ID: 477505). Algorithms developed to predict the effect of missense changes on protein structure and function are either unavailable or do not agree on the potential impact of this missense change (SIFT: "Deleterious"; PolyPhen-2: "Probably Damaging"; Align-GVGD: "Class C0"). In summary, the available evidence is currently insufficient to determine the role of this variant in disease. Therefore, it has been classified as a Variant of Uncertain Significance.

Revvity Omics, Revvity
Classification: Uncertain significance. Last evaluated: 2021-07-13. Review status: criteria provided, single submitter. Criteria: ACMG Guidelines, 2015. Collection method: clinical testing. Allele origin: germline.

Literature cited by the submitters: PubMed 30055037 (cited by Labcorp Genetics (formerly Invitae), Labcorp).

NM_000426.4(LAMA2):c.745C>T (p.Arg249Cys)

Gene: LAMA2 (laminin subunit alpha 2; plus strand). Cytogenetic location: 6q22.33.
Variant type: single nucleotide variant.
Coding change: c.745C>T on transcript NM_000426.4 (MANE Select); coding-DNA position 745, C replaced by T.
Protein change: p.Arg249Cys; replaces arginine 249 with cysteine.
Molecular consequence: missense variant.
Genome position (GRCh38, 1-based): chr6:129,144,006, C>T. VCF-style: chr6-129144006-C-T. GRCh37 (hg19) VCF-style: chr6-129465151-C-T.
Other names: c.745C>T, p.Arg249Cys (NM_001079823.2); short protein forms R249C.
Identifiers: ClinVar variation 477505 (VCV000477505.9), dbSNP rs376437110, ClinGen allele CA3992416.